The following is an entry in ClinVar:

ClinVar aggregate classification (germline): Pathogenic/Likely pathogenic. Review status: criteria provided, multiple submitters, no conflicts (2 of 4 stars). 2 submissions from 2 submitters: Pathogenic (1); Likely pathogenic (1). Last evaluated 2024-10-29.

Conditions:
Inborn genetic diseases. Identifiers: MedGen C0950123, MeSH D030342.
DST-related disorder. Also called: DST-related condition; DST-related disorders.

Submissions (2):

Blueprint Genetics
Classification: Likely pathogenic for DST-related disorders. Last evaluated: 2024-10-29. Review status: criteria provided, single submitter. Criteria: ACMG Guidelines, 2015. Collection method: clinical testing. Allele origin: germline. Affected: yes. Observed: 2 variant alleles.

Ambry Genetics
Classification: Pathogenic for Inborn genetic diseases. Last evaluated: 2022-10-11. Review status: criteria provided, single submitter. Criteria: Ambry Variant Classification Scheme 2023. Collection method: clinical testing. Allele origin: germline.
Comment: The c.5710C>T (p.Q1904*) alteration, located in exon 41 (coding exon 41) of the DST gene, consists of a C to T substitution at nucleotide position 5710. This changes the amino acid from a glutamine (Q) to a stop codon at amino acid position 1904. This alteration is expected to result in loss of function by premature protein truncation or nonsense-mediated mRNA decay. This variant was not reported in population-based cohorts in the Genome Aggregation Database (gnomAD). Based on the available evidence, this alteration is classified as pathogenic.

NM_001374736.1(DST):c.12067C>T (p.Gln4023Ter)

Gene: DST (dystonin; minus strand). Cytogenetic location: 6p12.1.
Variant type: single nucleotide variant.
Coding change: c.12067C>T on transcript NM_001374736.1 (MANE Select); coding-DNA position 12067, C replaced by T.
Protein change: p.Gln4023Ter; replaces glutamine 4023 with a stop codon.
Molecular consequence: nonsense.
Genome position (GRCh38, 1-based): chr6:56,597,868, G>A on the plus strand (C>T on the coding strand, the complement: DST is on the minus strand). VCF-style: chr6-56597868-G-A. GRCh37 (hg19) VCF-style: chr6-56462666-G-A.
Other names: c.12094C>T, p.Gln4032Ter (NM_001374734.1); c.5176C>T, p.Gln1726Ter (NM_001386100.1, NM_183380.4, NM_001374730.1); c.4198C>T, p.Gln1400Ter (NM_015548.5); c.12067C>T, p.Gln4023Ter (NM_001374722.1); c.11434C>T, p.Gln3812Ter (NM_001374729.1); c.5710C>T, p.Gln1904Ter (NM_001144769.5); c.5296C>T, p.Gln1766Ter (NM_001144770.2); short protein forms Q3812*, Q4023*, Q4032*, Q1726*, Q1766*, Q1904*, Q1400*.
Identifiers: ClinVar variation 1749241 (VCV001749241.3), dbSNP rs2536233791, ClinGen allele CA364528553.